The following is an entry in ClinVar:

NM_002878.4(RAD51D):c.83-16C>T

Genes: RAD51D (RAD51 paralog D; minus strand), RAD51L3-RFFL (RAD51L3-RFFL readthrough; minus strand). Cytogenetic location: 17q12.
Variant type: single nucleotide variant.
Coding change: c.83-16C>T on transcript NM_002878.4 (MANE Select); 16 bases into the intron before coding-DNA position 83, C replaced by T.
Molecular consequence: intron variant.
Genome position (GRCh38, 1-based): chr17:35,119,188, G>A on the plus strand (C>T on the coding strand, the complement: RAD51D is on the minus strand). VCF-style: chr17-35119188-G-A. GRCh37 (hg19) VCF-style: chr17-33446207-G-A.
Other names: c.83-16C>T (NM_133629.3, NM_001142571.2).
Identifiers: ClinVar variation 3013722 (VCV003013722.4), dbSNP rs747782458, ClinGen allele CA8499673.

ClinVar aggregate classification (germline): Likely benign. Review status: criteria provided, multiple submitters, no conflicts (2 of 4 stars). 2 submissions from 2 submitters: Likely benign (2). Last evaluated 2025-02-20.

Conditions:
Breast-ovarian cancer, familial, susceptibility to, 4. Identifiers: Orphanet 145, MedGen C3280345, MONDO:0013669, OMIM 614291.

Allele frequency attached by ClinVar (database versions not stated): ExAC 0.00002; gnomAD exomes 0.00002.

Submissions (2):

Myriad Genetics, Inc.
Classification: Likely benign for Breast-ovarian cancer, familial, susceptibility to, 4. Last evaluated: 2025-02-20. Review status: criteria provided, single submitter. Criteria: Myriad Autosomal Dominant, Autosomal Recessive and X-Linked Classification Criteria (2023). Collection method: clinical testing. Allele origin: unknown.
Comment: This variant is considered likely benign. This variant is intronic and is not expected to impact mRNA splicing.

Labcorp Genetics (formerly Invitae), Labcorp
Classification: Likely benign for Breast-ovarian cancer, familial, susceptibility to, 4. Last evaluated: 2023-05-19. Review status: criteria provided, single submitter. Criteria: Invitae Variant Classification Sherloc (09022015). Collection method: clinical testing. Allele origin: germline.